The following continues an entry in ClinVar:

NM_000218.3(KCNQ1):c.830C>T (p.Ser277Leu)

Gene: KCNQ1. ClinVar aggregate classification (germline): Pathogenic/Likely pathogenic. Pathogenic (11); Likely pathogenic (1).

Submissions 10 to 14 of 14:

Color Diagnostics, LLC DBA Color Health
Classification: Pathogenic for Cardiac arrhythmia. Last evaluated: 2022-09-27. Review status: criteria provided, single submitter. Criteria: ACMG Guidelines, 2015. Collection method: clinical testing. Allele origin: germline.
Comment: This missense variant replaces serine with leucine at codon 277 in transmembrane domain S5 of the KCNQ1 protein. Computational prediction suggests that this variant may have deleterious impact on protein structure and function (internally defined REVEL score threshold >= 0.7, PMID: 27666373). Functional studies have shown that in transfected cells this variant does not produce functional potassium channels, suppresses wild-type currents in dominant-negative manner, and causes trafficking defect that results in reduced surface expression (PMID: 21241800, 21895724). This variant has been reported in over 15 unrelated individuals affected with long QT syndrome (PMID: 12442276, 21241800, 21895724, 21241800, 27920829, 32893267). Multiple affected relative carriers have been reported in some of these families (PMID: 12442276, 15234419, 26063740, 29439887) and segregation with disease has been observed in a few families with long QT syndrome although segregation details are not available (ClinVar SCV000280165.1, SCV000234426.12). This variant has not been identified in the general population by the Genome Aggregation Database (gnomAD). Based on the available evidence, this variant is classified as Pathogenic.

Laboratory for Molecular Medicine, Mass General Brigham Personalized Medicine
Classification: Pathogenic for Familial long QT syndrome. Last evaluated: 2018-07-16. Review status: criteria provided, single submitter. Criteria: ACMG Guidelines, 2015. Collection method: clinical testing. Allele origin: germline. Inheritance: Autosomal dominant inheritance.
Comment: The p.Ser277Leu variant in KCNQ1 has been reported in 14 heterozygous individuals with long QT syndrome (LQTS) and segregated with disease in at least 8 affected relatives from multiple families (Liu 2002, Chen2011, Aidery 2011, Yoshinaga 2014, Yagi 2018). This variant has also been reported in ClinVar (Variation ID: 53116), but was absent from large population databases. Computational prediction tools and conservation analysis suggest that the p.Ser277Leu variant may impact the protein. In vitro functional studies provide evidence that the p.Ser277Leu variant may have a dominant-negative effect on protein's expression and function (Aidery 2011, Chen 2011). Other missense variants at this codon (p.Ser277Pro and p.Ser277Trp) have also been associated with LQTS (Kapplinger 2009, Napolitano 2005), suggesting that a change at this position might not be tolerated. In summary, this variant meets criteria to be classified as pathogenic for long QT syndrome in an autosomal dominant manner based upon clinical data, segregation studies and functional evidence. ACMG/AMP criteria applied: PP1_Strong, PM2, PS4_Moderate, PP3, PS3_Supporting.

Stanford Center for Inherited Cardiovascular Disease, Stanford University
Classification: Likely pathogenic. Last evaluated: 2014-01-13. Review status: criteria provided, single submitter. Criteria: ACMG Guidelines, 2015. Collection method: provider interpretation. Allele origin: germline.

Zotz-Klimas Genetics Lab, MVZ Zotz Klimas
Classification: Pathogenic for Long QT syndrome 1. Last evaluated: 2023-11-24. Review status: no assertion criteria provided. Collection method: clinical testing. Allele origin: germline. Affected: yes. Not counted in ClinVar's aggregate classification.

Cardiovascular Biomedical Research Unit, Royal Brompton & Harefield NHS Foundation Trust
No classification provided. Condition: Familial long QT syndrome. Review status: no classification provided. Collection method: literature only. Allele origin: germline. Not counted in ClinVar's aggregate classification.
Comment: This variant has been reported as associated with Long QT syndrome in the following publications (PMID:12442276;PMID:15192825;PMID:15840476;PMID:16831322;PMID:19716085;PMID:21241800;PMID:21895724;PMID:15234419;PMID:17470695). This is a literature report, and does not necessarily reflect the clinical interpretation of the Imperial College / Royal Brompton Cardiovascular Genetics laboratory.

Literature cited by the submitters: PubMed 12442276 (cited by 7 submitters); PubMed 19716085 (cited by 5 submitters); PubMed 21241800 (cited by 7 submitters); PubMed 21895724 (cited by 7 submitters); PubMed 29439887 (cited by 4 submitters); PubMed 27920829 (cited by All of Us Research Program, National Institutes of Health and Color Diagnostics, LLC DBA Color Health); PubMed 32893267 (cited by All of Us Research Program, National Institutes of Health and Color Diagnostics, LLC DBA Color Health); PubMed 12442296 (cited by Genetics and Molecular Pathology, SA Pathology); PubMed 34860437 (cited by Genetics and Molecular Pathology, SA Pathology); PubMed 15234419 (cited by Color Diagnostics, LLC DBA Color Health and Cardiovascular Biomedical Research Unit, Royal Brompton & Harefield NHS Foundation Trust); PubMed 26063740 (cited by Color Diagnostics, LLC DBA Color Health); PubMed 26669661 (cited by Laboratory for Molecular Medicine, Mass General Brigham Personalized Medicine); PubMed 19862833 (cited by Laboratory for Molecular Medicine, Mass General Brigham Personalized Medicine); PubMed 24363352 (cited by Laboratory for Molecular Medicine, Mass General Brigham Personalized Medicine); PubMed 16414944 (cited by Laboratory for Molecular Medicine, Mass General Brigham Personalized Medicine); PubMed 15192825 (cited by Cardiovascular Biomedical Research Unit, Royal Brompton & Harefield NHS Foundation Trust); PubMed 15840476 (cited by Cardiovascular Biomedical Research Unit, Royal Brompton & Harefield NHS Foundation Trust); PubMed 16831322 (cited by Cardiovascular Biomedical Research Unit, Royal Brompton & Harefield NHS Foundation Trust); PubMed 17470695 (cited by Cardiovascular Biomedical Research Unit, Royal Brompton & Harefield NHS Foundation Trust); PubMed 22581653 (cited by Cardiovascular Biomedical Research Unit, Royal Brompton & Harefield NHS Foundation Trust).